The following is an entry in ClinVar:

NM_001142966.3(GREB1L):c.1850-6T>C

Gene: GREB1L (GREB1 like retinoic acid receptor coactivator; plus strand). Cytogenetic location: 18q11.1.
Variant type: single nucleotide variant.
Coding change: c.1850-6T>C on transcript NM_001142966.3 (MANE Select); 6 bases into the intron before coding-DNA position 1850, T replaced by C.
Molecular consequence: intron variant.
Genome position (GRCh38, 1-based): chr18:21,452,077, T>C. VCF-style: chr18-21452077-T-C. GRCh37 (hg19) VCF-style: chr18-19032038-T-C.
Other names: c.1979-6T>C (NM_001410867.1); c.1523-6T>C (NM_001410868.1).
Identifiers: ClinVar variation 3049352 (VCV003049352.2), dbSNP rs1482332053, ClinGen allele CA628626106.

ClinVar aggregate classification (germline): Likely benign (0 of 4 stars; one submission).

Conditions:
GREB1L-related disorder. Also called: GREB1L-related condition.

Allele frequency attached by ClinVar (database versions not stated): TOPMed 0.00002; gnomAD 0.00003; gnomAD exomes 0.00003.
gnomAD v4.1: 48 of 1,551,530 alleles (0.0031%); highest among the groups gnomAD compares: Non-Finnish European, 0.004%; no homozygotes.

Submission:

PreventionGenetics, part of Exact Sciences
Classification: Likely benign for GREB1L-related condition. Last evaluated: 2019-07-12. Review status: no assertion criteria provided. Collection method: clinical testing. Allele origin: germline.
Comment: This variant is classified as likely benign based on ACMG/AMP sequence variant interpretation guidelines (Richards et al. 2015 PMID: 25741868, with internal and published modifications).